The following is an entry in ClinVar:

ClinVar aggregate classification (germline): Uncertain significance (1 of 4 stars; one submission).

Submission:

Labcorp Genetics (formerly Invitae), Labcorp
Classification: Uncertain significance. Last evaluated: 2019-12-30. Review status: criteria provided, single submitter. Criteria: Invitae Variant Classification Sherloc (09022015). Collection method: clinical testing. Allele origin: germline.
Comment: This variant results in a copy number gain of the genomic region encompassing exons 1-8 of the CHM gene, which includes the initiator codon. The 5' end of this event is unknown as it extends beyond the assayed region for this gene and therefore may encompass additional genes. The 3' boundary is likely confined to intron 8 of the CHM gene. As the precise location of this event is unknown, it may be in tandem or it may be located elsewhere in the genome. This variant has not been reported in the literature in individuals with CHM-related conditions. In summary, the available evidence is currently insufficient to determine the role of this variant in disease. Therefore, it has been classified as a Variant of Uncertain Significance.

NC_000023.10:g.(?_85211158)_(85404112_?)dup

Genes: CHM (CHM Rab escort protein; minus strand), DACH2 (dachshund family transcription factor 2; plus strand). Cytogenetic location: Xq21.2.
Variant type: Duplication.
Identifiers: ClinVar variation 830673 (VCV000830673.2).